The following is an entry in ClinVar:

NM_001382567.1(STIM1):c.482G>A (p.Gly161Asp)

Gene: STIM1 (stromal interaction molecule 1; plus strand). Cytogenetic location: 11p15.4.
Variant type: single nucleotide variant.
Coding change: c.482G>A on transcript NM_001382567.1 (MANE Select); coding-DNA position 482, G replaced by A.
Protein change: p.Gly161Asp; replaces glycine 161 with aspartic acid.
Molecular consequence: missense variant. On other transcripts: 5 prime UTR variant (2), non-coding transcript variant (3), intron variant (2).
Genome position (GRCh38, 1-based): chr11:4,055,622, G>A. VCF-style: chr11-4055622-G-A. GRCh37 (hg19) VCF-style: chr11-4076852-G-A.
Other names: c.482G>A, p.Gly161Asp (NM_001277961.3, NM_001277962.2, NM_001382568.1 and 2 more transcripts); c.260G>A, p.Gly87Asp (NM_001382566.1, NM_001382573.1, NM_001382574.1 and 5 more transcripts); c.347G>A, p.Gly116Asp (NM_001382569.1); c.-8G>A (NM_001382580.1, NM_001382581.1); c.386-14404G>A (NM_001382570.1); c.18-3659G>A (NM_001382571.1); short protein forms G87D, G161D, G116D.
Identifiers: ClinVar variation 1349240 (VCV001349240.6), dbSNP rs2133084204, ClinGen allele CA379485640.
Genomic context (GRCh38, chr11:4,055,622, plus strand): 5'-TGATCACATATGTGGAGCTGCCTCAGTATGAGGAGACCTTCCGGAAGCTGCAGCTCAGTG[G>A]CCATGCCATGCCAAGGTCAGGAGGGGACTGGGTTTTTCTCTGTTGAGGGTACGGGGAATG-3'
Protein context (NP_001369496.1, residues 151-171): EETFRKLQLS[Gly161Asp]HAMPRLAVTN

ClinVar aggregate classification (germline): Uncertain significance (1 of 4 stars; one submission).

Conditions:
Stormorken syndrome (STRMK). Also called: THROMBOCYTOPATHY, ASPLENIA, AND MIOSIS. Identifiers: Orphanet 3204, MedGen C1861451, MONDO:0008497, OMIM 185070.
Myopathy with tubular aggregates (TAM). Also called: Tubular Aggregate Myopathy. Identifiers: Orphanet 2593, MedGen C0410207, MONDO:0008051.
Combined immunodeficiency due to STIM1 deficiency. Also called: STIM1 DEFICIENCY; IMMUNODEFICIENCY 10. Identifiers: Orphanet 169090, Orphanet 317430, MedGen C2748557, MONDO:0013008, OMIM 612783.

Submission:

Labcorp Genetics (formerly Invitae), Labcorp
Classification: Uncertain significance for Myopathy with tubular aggregates; Combined immunodeficiency due to STIM1 deficiency; Stormorken syndrome. Last evaluated: 2021-12-11. Review status: criteria provided, single submitter. Criteria: Invitae Variant Classification Sherloc (09022015). Collection method: clinical testing. Allele origin: germline.
Comment: This sequence change replaces glycine, which is neutral and non-polar, with aspartic acid, which is acidic and polar, at codon 161 of the STIM1 protein (p.Gly161Asp). This variant is not present in population databases (gnomAD no frequency). This variant has not been reported in the literature in individuals affected with STIM1-related conditions. Algorithms developed to predict the effect of missense changes on protein structure and function are either unavailable or do not agree on the potential impact of this missense change (SIFT: "Tolerated"; PolyPhen-2: "Probably Damaging"; Align-GVGD: "Class C0"). In summary, the available evidence is currently insufficient to determine the role of this variant in disease. Therefore, it has been classified as a Variant of Uncertain Significance.